The following is an entry in ClinVar:

NM_006949.4(STXBP2):c.1301A>G (p.His434Arg)

Gene: STXBP2 (syntaxin binding protein 2; plus strand). Cytogenetic location: 19p13.2.
Variant type: single nucleotide variant.
Coding change: c.1301A>G on transcript NM_006949.4 (MANE Select); coding-DNA position 1301, A replaced by G.
Protein change: p.His434Arg; replaces histidine 434 with arginine.
Molecular consequence: missense variant. On other transcripts: non-coding transcript variant (1).
Genome position (GRCh38, 1-based): chr19:7,645,251, A>G. VCF-style: chr19-7645251-A-G. GRCh37 (hg19) VCF-style: chr19-7710137-A-G.
Other names: c.1292A>G, p.His431Arg (NM_001127396.3); c.1334A>G, p.His445Arg (NM_001272034.2); c.1205A>G, p.His402Arg (NM_001414484.1); short protein forms H402R, H431R, H434R, H445R.
Identifiers: ClinVar variation 2636749 (VCV002636749.2), dbSNP rs912047950, ClinGen allele CA304910648.
Genomic context (GRCh38, chr19:7,645,251, plus strand): 5'-CCCCAGGTGTGAGTGAGGAGAACCTGGCCAAGCTGATCCAGCATGCCAATGTACAGGCGC[A>G]CAGCAGCCTCATCCGTAACCTGGAGCAGCTGGGAGGCACTGTCACCAACCCCGGGGTACG-3'
Protein context (NP_008880.2, residues 424-444): KLIQHANVQA[His434Arg]SSLIRNLEQL

ClinVar aggregate classification (germline): Uncertain significance. Review status: criteria provided, multiple submitters, no conflicts (2 of 4 stars). 2 submissions from 2 submitters: Uncertain significance (2). Last evaluated 2026-02-05.

Conditions:
STXBP2-related disorder. Also called: STXBP2-related condition.

Allele frequency attached by ClinVar (database versions not stated): gnomAD exomes below 0.00001; gnomAD 0.00001; TOPMed 0.00002.
gnomAD v4.1: 3 of 1,583,942 alleles (0.00019%); highest among the groups gnomAD compares: Non-Finnish European, 0.00026%; no homozygotes.

Submissions (2):

GeneDx
Classification: Uncertain significance. Last evaluated: 2026-02-05. Review status: criteria provided, single submitter. Criteria: GeneDx Variant Classification Process June 2021. Collection method: clinical testing. Allele origin: germline.
Comment: Not observed at significant frequency in large population cohorts (gnomAD); In silico analysis suggests that this missense variant does not alter protein structure/function; Has not been previously published as pathogenic or benign to our knowledge

PreventionGenetics, part of Exact Sciences
Classification: Uncertain significance for STXBP2-related condition. Last evaluated: 2023-02-13. Review status: criteria provided, single submitter. Criteria: ACMG Guidelines, 2015. Collection method: clinical testing. Allele origin: germline.
Comment: The STXBP2 c.1301A>G variant is predicted to result in the amino acid substitution p.His434Arg. To our knowledge, this variant has not been reported in the literature or in a large population database, indicating this variant is rare. At this time, the clinical significance of this variant is uncertain due to the absence of conclusive functional and genetic evidence.